The following is an entry in ClinVar:

ClinVar aggregate classification (germline): Likely benign. Review status: criteria provided, single submitter (1 of 4 stars). 2 submissions from 2 submitters: Likely benign (1). 1 of the submissions does not count toward it. Last evaluated 2024-01-30.

Conditions:
NEB-related disorder. Also called: NEB-related condition; NEB-Related Disorders.
Nemaline myopathy 2 (NEM2). Also called: Nemaline myopathy 2, autosomal recessive. Identifiers: MedGen C1850569, MONDO:0009725, OMIM 256030.

Allele frequency attached by ClinVar (database versions not stated): gnomAD exomes below 0.00001; TOPMed below 0.00001; gnomAD 0.00001; 1000 Genomes Project 30x 0.00016; 1000 Genomes Project 0.00020.
gnomAD v4.1: 3 of 1,571,762 alleles (0.00019%); highest among the groups gnomAD compares: Admixed American, 0.005%; no homozygotes.

Submissions (2):

Labcorp Genetics (formerly Invitae), Labcorp
Classification: Likely benign for Nemaline myopathy 2. Last evaluated: 2024-01-30. Review status: criteria provided, single submitter. Criteria: Invitae Variant Classification Sherloc (09022015). Collection method: clinical testing. Allele origin: germline.

PreventionGenetics, part of Exact Sciences
Classification: Likely benign for NEB-related condition. Last evaluated: 2023-10-02. Review status: no assertion criteria provided. Collection method: clinical testing. Allele origin: germline. Not counted in ClinVar's aggregate classification.
Comment: This variant is classified as likely benign based on ACMG/AMP sequence variant interpretation guidelines (Richards et al. 2015 PMID: 25741868, with internal and published modifications).

NM_001164508.2(NEB):c.5971-9T>C

Gene: NEB (nebulin; minus strand). Cytogenetic location: 2q23.3.
Variant type: single nucleotide variant.
Coding change: c.5971-9T>C on transcript NM_001164508.2 (MANE Select); 9 bases into the intron before coding-DNA position 5971, T replaced by C.
Molecular consequence: intron variant.
Genome position (GRCh38, 1-based): chr2:151,659,178, A>G on the plus strand (T>C on the coding strand, the complement: NEB is on the minus strand). VCF-style: chr2-151659178-A-G. GRCh37 (hg19) VCF-style: chr2-152515692-A-G.
Other names: c.5971-9T>C (NM_004543.5, NM_001164507.2, NM_001271208.2 and 1 more transcripts).
Identifiers: ClinVar variation 1603363 (VCV001603363.10), dbSNP rs528962426, ClinGen allele CA57638148.